The following is an entry in ClinVar:

NM_006517.5(SLC16A2):c.1112G>A (p.Arg371His)

Gene: SLC16A2 (solute carrier family 16 member 2; plus strand). Cytogenetic location: Xq13.2.
Variant type: single nucleotide variant.
Coding change: c.1112G>A on transcript NM_006517.5 (MANE Select); coding-DNA position 1112, G replaced by A.
Protein change: p.Arg371His; replaces arginine 371 with histidine.
Molecular consequence: missense variant.
Genome position (GRCh38, 1-based): chrX:74,525,835, G>A. VCF-style: chrX-74525835-G-A. GRCh37 (hg19) VCF-style: chrX-73745670-G-A.
Other names: short protein forms R371H.
Identifiers: ClinVar variation 1329726 (VCV001329726.3), dbSNP rs2147871007, ClinGen allele CA413658016.

ClinVar aggregate classification (germline): Likely pathogenic (1 of 4 stars; one submission).

Submission:

GeneDx
Classification: Likely pathogenic. Last evaluated: 2024-12-10. Review status: criteria provided, single submitter. Criteria: GeneDx Variant Classification Process June 2021. Collection method: clinical testing. Allele origin: germline. Affected: yes.
Comment: Not observed at significant frequency in large population cohorts (gnomAD); In silico analysis supports that this missense variant has a deleterious effect on protein structure/function; Has not been previously published as pathogenic or benign to our knowledge